The following is an entry in ClinVar:

ClinVar aggregate classification (germline): Likely pathogenic (1 of 4 stars; one submission).

Allele frequency attached by ClinVar (database versions not stated): gnomAD exomes below 0.00001.
gnomAD v4.1: 1 of 1,613,248 alleles (0.000062%); highest among the groups gnomAD compares: Non-Finnish European, 0.000085%; no homozygotes.

Submission:

Labcorp Genetics (formerly Invitae), Labcorp
Classification: Likely pathogenic. Last evaluated: 2023-12-24. Review status: criteria provided, single submitter. Criteria: Invitae Variant Classification Sherloc (09022015). Collection method: clinical testing. Allele origin: germline.
Comment: This sequence change affects a donor splice site in intron 10 of the PCNT gene. It is expected to disrupt RNA splicing. Variants that disrupt the donor or acceptor splice site typically lead to a loss of protein function (PMID: 16199547), and loss-of-function variants in PCNT are known to be pathogenic (PMID: 18174396, 22821869). This variant is not present in population databases (gnomAD no frequency). This variant has not been reported in the literature in individuals affected with PCNT-related conditions. Algorithms developed to predict the effect of sequence changes on RNA splicing suggest that this variant may disrupt the consensus splice site. In summary, the currently available evidence indicates that the variant is pathogenic, but additional data are needed to prove that conclusively. Therefore, this variant has been classified as Likely Pathogenic.

Literature cited by the submitters: PubMed 16199547; PubMed 18174396; PubMed 22821869.

NM_006031.6(PCNT):c.1679+1G>A

Gene: PCNT (pericentrin; plus strand). Cytogenetic location: 21q22.3.
Variant type: single nucleotide variant.
Coding change: c.1679+1G>A on transcript NM_006031.6 (MANE Select); the canonical splice donor site of the intron after coding-DNA position 1679, G replaced by A.
Molecular consequence: splice donor variant.
Genome position (GRCh38, 1-based): chr21:46,353,327, G>A. VCF-style: chr21-46353327-G-A. GRCh37 (hg19) VCF-style: chr21-47773241-G-A.
Other names: c.1325+1G>A (NM_001315529.2).
Identifiers: ClinVar variation 2835337 (VCV002835337.3), dbSNP rs2518117829, ClinGen allele CA410561511.